The following is an entry in ClinVar:

ClinVar aggregate classification (germline): Uncertain significance. Review status: criteria provided, multiple submitters, no conflicts (2 of 4 stars). 2 submissions from 2 submitters: Uncertain significance (2). Last evaluated 2024-01-31.

Conditions:
Nephronophthisis. Also called: Juvenile Nephronophthisis. Identifiers: Orphanet 655, MedGen C0687120, MONDO:0019005, HP:0000090.
Joubert syndrome. Also called: JOUBERT-BOLTSHAUSER SYNDROME; Familial aplasia of the vermis. Identifiers: Orphanet 475, MedGen C5979921, MONDO:0018772.
Meckel-Gruber syndrome. Also called: Dysencephalia splachnocystica; DYSENCEPHALIA SPLANCHNOCYSTICA; GRUBER SYNDROME. Identifiers: Orphanet 564, MedGen C0265215, MONDO:0018921.

Submissions (2):

Blueprint Genetics
Classification: Uncertain significance. Last evaluated: 2024-01-31. Review status: criteria provided, single submitter. Criteria: ACMG Guidelines, 2015. Collection method: clinical testing. Allele origin: germline.

Labcorp Genetics (formerly Invitae), Labcorp
Classification: Uncertain significance for Joubert syndrome; Meckel-Gruber syndrome; Nephronophthisis. Last evaluated: 2021-08-28. Review status: criteria provided, single submitter. Criteria: Invitae Variant Classification Sherloc (09022015). Collection method: clinical testing. Allele origin: germline.
Comment: This sequence change replaces valine with methionine at codon 1007 of the CEP290 protein (p.Val1007Met). The valine residue is weakly conserved and there is a small physicochemical difference between valine and methionine. This variant is not present in population databases (ExAC no frequency). This variant has not been reported in the literature in individuals affected with CEP290-related conditions. Algorithms developed to predict the effect of missense changes on protein structure and function output the following: SIFT: "Tolerated"; PolyPhen-2: "Benign"; Align-GVGD: "Class C0". The methionine amino acid residue is found in multiple mammalian species, which suggests that this missense change does not adversely affect protein function. In summary, the available evidence is currently insufficient to determine the role of this variant in disease. Therefore, it has been classified as a Variant of Uncertain Significance.

NM_025114.4(CEP290):c.3019G>A (p.Val1007Met)

Gene: CEP290 (centrosomal protein 290; minus strand). Cytogenetic location: 12q21.32.
Variant type: single nucleotide variant.
Coding change: c.3019G>A on transcript NM_025114.4 (MANE Select); coding-DNA position 3019, G replaced by A.
Protein change: p.Val1007Met; replaces valine 1007 with methionine.
Molecular consequence: missense variant.
Genome position (GRCh38, 1-based): chr12:88,096,972, C>T on the plus strand (G>A on the coding strand, the complement: CEP290 is on the minus strand). VCF-style: chr12-88096972-C-T. GRCh37 (hg19) VCF-style: chr12-88490749-C-T.
Other names: short protein forms V1007M.
Identifiers: ClinVar variation 1391791 (VCV001391791.6), dbSNP rs2137425726, ClinGen allele CA386007152.